The following is an entry in ClinVar:

ClinVar aggregate classification (germline): Conflicting classifications of pathogenicity. Review status: criteria provided, conflicting classifications (1 of 4 stars). 7 submissions from 7 submitters: Uncertain significance (1); Likely benign (3). 3 of the submissions do not count toward it. Last evaluated 2026-02-01.

Conditions:
NBAS-related disorder. Also called: NBAS-related condition.

Allele frequency attached by ClinVar (database versions not stated): 1000 Genomes Project 30x 0.00047; 1000 Genomes Project 0.00060; TOPMed 0.00075; gnomAD 0.00096 and 0.00097; ESP Exome Variant Server 0.00115; gnomAD exomes 0.00141 and 0.00142; ExAC 0.00202.
gnomAD v4.1: 2,183 of 1,614,008 alleles (0.14%); highest among the groups gnomAD compares: Non-Finnish European, 0.17%; 1 homozygote.

Submissions (7):

Labcorp Genetics (formerly Invitae), Labcorp
Classification: Likely benign. Last evaluated: 2026-02-01. Review status: criteria provided, single submitter. Criteria: Invitae Variant Classification Sherloc (09022015). Collection method: clinical testing. Allele origin: germline.

CeGaT Center for Human Genetics Tuebingen
Classification: Likely benign. Last evaluated: 2025-02-01. Review status: criteria provided, single submitter. Criteria: CeGaT Center For Human Genetics Tuebingen Variant Classification Criteria Version 2. Collection method: clinical testing. Allele origin: germline. Affected: yes. Observed: 1 variant allele.
Comment: NBAS: BP4

PreventionGenetics, part of Exact Sciences
Classification: Likely benign for NBAS-related condition. Last evaluated: 2024-11-13. Review status: criteria provided, single submitter. Criteria: ACMG Guidelines, 2015. Collection method: clinical testing. Allele origin: germline.
Comment: This variant is classified as likely benign based on ACMG/AMP sequence variant interpretation guidelines (Richards et al. 2015 PMID: 25741868, with internal and published modifications).

Eurofins Ntd Llc (ga)
Classification: Uncertain significance. Last evaluated: 2016-09-02. Review status: criteria provided, single submitter. Criteria: EGL Classification Definitions 2015. Collection method: clinical testing. Allele origin: germline. Observed: 1 variant allele, 1 heterozygote.

Clinical Genetics DNA and cytogenetics Diagnostics Lab, Erasmus MC, Erasmus Medical Center
Classification: Uncertain significance. Review status: no assertion criteria provided. Collection method: clinical testing. Allele origin: germline. Affected: yes. Study: VKGL Data-share Consensus. Not counted in ClinVar's aggregate classification.

Clinical Genetics, Academic Medical Center
Classification: Uncertain significance. Review status: no assertion criteria provided. Collection method: clinical testing. Allele origin: germline. Affected: yes. Study: VKGL Data-share Consensus. Not counted in ClinVar's aggregate classification.

Diagnostic Laboratory, Department of Genetics, University Medical Center Groningen
Classification: Uncertain significance. Review status: no assertion criteria provided. Collection method: clinical testing. Allele origin: germline. Affected: yes. Study: VKGL Data-share Consensus. Not counted in ClinVar's aggregate classification.

NM_015909.4(NBAS):c.4228A>G (p.Thr1410Ala)

Gene: NBAS (NBAS subunit of NRZ tethering complex; minus strand). Cytogenetic location: 2p24.3.
Variant type: single nucleotide variant.
Coding change: c.4228A>G on transcript NM_015909.4 (MANE Select); coding-DNA position 4228, A replaced by G.
Protein change: p.Thr1410Ala; replaces threonine 1410 with alanine.
Molecular consequence: missense variant. On other transcripts: non-coding transcript variant (1).
Genome position (GRCh38, 1-based): chr2:15,330,717, T>C on the plus strand (A>G on the coding strand, the complement: NBAS is on the minus strand). VCF-style: chr2-15330717-T-C. GRCh37 (hg19) VCF-style: chr2-15470841-T-C.
Other names: short protein forms T1410A.
Identifiers: ClinVar variation 291094 (VCV000291094.38), dbSNP rs143724414, ClinGen allele CA1535731.